The following is an entry in ClinVar:

NM_001365536.1(SCN9A):c.926C>G (p.Ser309Cys)

Genes: SCN1A-AS1 (SCN1A and SCN9A antisense RNA 1; plus strand), SCN9A (sodium voltage-gated channel alpha subunit 9; minus strand). Cytogenetic location: 2q24.3.
Variant type: single nucleotide variant.
Coding change: c.926C>G on transcript NM_001365536.1 (MANE Select); coding-DNA position 926, C replaced by G.
Protein change: p.Ser309Cys; replaces serine 309 with cysteine.
Molecular consequence: missense variant. On other transcripts: non-coding transcript variant (1).
Genome position (GRCh38, 1-based): chr2:166,294,638, G>C on the plus strand (C>G on the coding strand, the complement: SCN9A is on the minus strand). VCF-style: chr2-166294638-G-C. GRCh37 (hg19) VCF-style: chr2-167151148-G-C.
Other names: c.926C>G, p.Ser309Cys (NM_002977.4); short protein forms S309C.
Identifiers: ClinVar variation 851879 (VCV000851879.10), dbSNP rs1698221729, ClinGen allele CA349089751.

ClinVar aggregate classification (germline): Uncertain significance (1 of 4 stars; one submission).

Conditions:
Generalized epilepsy with febrile seizures plus, type 7 (GEFSP7). Also called: GEFS+, TYPE 7. Identifiers: Orphanet 36387, MedGen C2751778, MONDO:0013470, OMIM 613863.
Neuropathy, hereditary sensory and autonomic, type 2A (HSAN2A). Also called: MORVAN DISEASE; NEUROPATHY, CONGENITAL SENSORY; NEUROPATHY, HEREDITARY SENSORY RADICULAR, AUTOSOMAL RECESSIVE; NEUROPATHY, HEREDITARY SENSORY, TYPE IIA; NEUROPATHY, PROGRESSIVE SENSORY, OF CHILDREN; WNK1-Related HSAN2 (HSAN2A). Identifiers: Orphanet 970, MedGen C2752089, MONDO:0024309, OMIM 201300.

Submission:

Labcorp Genetics (formerly Invitae), Labcorp
Classification: Uncertain significance for Neuropathy, hereditary sensory and autonomic, type 2A; Generalized epilepsy with febrile seizures plus, type 7. Last evaluated: 2023-11-07. Review status: criteria provided, single submitter. Criteria: Invitae Variant Classification Sherloc (09022015). Collection method: clinical testing. Allele origin: germline.
Comment: This sequence change replaces serine, which is neutral and polar, with cysteine, which is neutral and slightly polar, at codon 309 of the SCN9A protein (p.Ser309Cys). This variant is not present in population databases (gnomAD no frequency). This variant has not been reported in the literature in individuals affected with SCN9A-related conditions. ClinVar contains an entry for this variant (Variation ID: 851879). Advanced modeling of protein sequence and biophysical properties (such as structural, functional, and spatial information, amino acid conservation, physicochemical variation, residue mobility, and thermodynamic stability) performed at Invitae indicates that this missense variant is not expected to disrupt SCN9A protein function with a negative predictive value of 95%. In summary, the available evidence is currently insufficient to determine the role of this variant in disease. Therefore, it has been classified as a Variant of Uncertain Significance.